The following is an entry in ClinVar:

NM_001267550.2(TTN):c.84362C>A (p.Thr28121Lys)

Genes: TTN (titin; minus strand), TTN-AS1 (TTN antisense RNA 1; plus strand). Cytogenetic location: 2q31.2.
Variant type: single nucleotide variant.
Coding change: c.84362C>A on transcript NM_001267550.2 (MANE Select); coding-DNA position 84362, C replaced by A.
Protein change: p.Thr28121Lys; replaces threonine 28121 with lysine.
Molecular consequence: missense variant.
Genome position (GRCh38, 1-based): chr2:178,561,770, G>T on the plus strand (C>A on the coding strand, the complement: TTN is on the minus strand). VCF-style: chr2-178561770-G-T. GRCh37 (hg19) VCF-style: chr2-179426497-G-T.
Other names: c.57167C>A, p.Thr19056Lys (NM_003319.4); c.76658C>A, p.Thr25553Lys (NM_133378.4); c.79439C>A, p.Thr26480Lys (NM_001256850.1); c.57542C>A, p.Thr19181Lys (NM_133432.3); c.57743C>A, p.Thr19248Lys (NM_133437.4); c.84362C>A (NM_001267550.1); short protein forms T28121K, T25553K, T19056K, T26480K, T19248K, T19181K.
Identifiers: ClinVar variation 47434 (VCV000047434.11), dbSNP rs397517726, ClinGen allele CA140984.

ClinVar aggregate classification (germline): Uncertain significance. Review status: criteria provided, multiple submitters, no conflicts (2 of 4 stars). 4 submissions from 4 submitters: Uncertain significance (4). Last evaluated 2024-02-07.

Conditions:
Cardiovascular phenotype. Identifiers: MedGen CN230736.
Hypertrophic cardiomyopathy 9. Also called: Familial hypertrophic cardiomyopathy 9. Identifiers: MedGen C1861065, MONDO:0013412, OMIM 613765.
Tibial muscular dystrophy (TMD). Also called: Tibial muscular dystrophy, tardive; UDD MYOPATHY; Udd Distal Myopathy – Tibial Muscular Dystrophy. Identifiers: Orphanet 609, MedGen C1838244, MONDO:0010870, OMIM 600334.
Myopathy, myofibrillar, 9, with early respiratory failure (MFM9). Also called: MYOPATHY, PROXIMAL, WITH EARLY RESPIRATORY MUSCLE INVOLVEMENT; Myopathy, distal, with early respiratory failure, autosomal dominant; Hereditary myopathy with early respiratory failure; EDSTROM MYOPATHY. Identifiers: Orphanet 178464, Orphanet 34521, MedGen C1863599, MONDO:0011362, OMIM 603689.
Early-onset myopathy with fatal cardiomyopathy (CMYO5). Also called: CONGENITAL MYOPATHY 5 WITH CARDIOMYOPATHY; Salih Myopathy. Identifiers: Orphanet 289377, MedGen C2673677, MONDO:0012714, OMIM 611705. Disease mechanism: loss of function.
Dilated cardiomyopathy 1G (CMD1G). Identifiers: Orphanet 154, MedGen C1858763, MONDO:0011400, OMIM 604145.
Autosomal recessive limb-girdle muscular dystrophy type 2J (LGMDR10). Also called: Limb-girdle muscular dystrophy, type 2J; MUSCULAR DYSTROPHY, LIMB-GIRDLE, AUTOSOMAL RECESSIVE 10. Identifiers: Orphanet 140922, MedGen C1837342, MONDO:0012127, OMIM 608807.

Allele frequency attached by ClinVar (database versions not stated): ExAC 0.00001; TOPMed 0.00002; gnomAD 0.00005.
gnomAD v4.1: 17 of 1,613,534 alleles (0.0011%); highest among the groups gnomAD compares: Admixed American, 0.018%; no homozygotes.

Submissions (4):

Athena Diagnostics
Classification: Uncertain significance. Last evaluated: 2024-02-07. Review status: criteria provided, single submitter. Criteria: Athena Diagnostics Criteria. Collection method: clinical testing. Allele origin: unknown.
Comment: Available data are insufficient to determine the clinical significance of the variant at this time. The frequency of this variant in the general population is uninformative in assessment of its pathogenicity. Computational tools predict that this variant is not damaging.

Fulgent Genetics
Classification: Uncertain significance for Tibial muscular dystrophy; Myopathy, myofibrillar, 9, with early respiratory failure; Dilated cardiomyopathy 1G; Autosomal recessive limb-girdle muscular dystrophy type 2J; Early-onset myopathy with fatal cardiomyopathy; Hypertrophic cardiomyopathy 9. Last evaluated: 2021-10-20. Review status: criteria provided, single submitter. Criteria: ACMG Guidelines, 2015. Collection method: clinical testing. Allele origin: unknown.

Ambry Genetics
Classification: Uncertain significance for Cardiovascular phenotype. Last evaluated: 2018-08-17. Review status: criteria provided, single submitter. Criteria: Ambry Variant Classification Scheme 2023. Collection method: clinical testing. Allele origin: germline.
Comment: The p.T19056K variant (also known as c.57167C>A), located in coding exon 153 of the TTN gene, results from a C to A substitution at nucleotide position 57167. The threonine at codon 19056 is replaced by lysine, an amino acid with some similar properties. This amino acid position is not well conserved in available vertebrate species. In addition, this alteration is predicted to be tolerated by in silico analysis. Since supporting evidence is limited at this time, the clinical significance of this variant remains unclear.

Laboratory for Molecular Medicine, Mass General Brigham Personalized Medicine
Classification: Uncertain significance. Last evaluated: 2012-10-08. Review status: criteria provided, single submitter. Criteria: LMM Criteria. Collection method: clinical testing. Allele origin: germline. Observed: 1 variant allele.
Comment: The Thr25553Lys variant in TTN has not been reported in the literature nor previ ously identified by our laboratory. Computational analyses (biochemical amino ac id properties, conservation, AlignGVGD, PolyPhen2, and SIFT) do not provide stro ng support for or against an impact to the protein. Additional information is n eeded to fully assess the clinical significance of the Thr25553Lys variant.